The following is an entry in ClinVar:

NM_203486.2(DLL3):c.1759delG

Gene: DLL3 (delta like canonical Notch ligand 3; plus strand). Cytogenetic location: 19q13.2.
Variant type: Deletion.
Coding change: c.1759delG on transcript NM_203486.2; coding-DNA position 1759, one base deleted (G).
Molecular consequence: 3 prime UTR variant (on NM_016941.4).
Genome position (GRCh38, 1-based): chr19:39,508,252, G deleted; the last of 2 consecutive G bases (chr19:39,508,251-39,508,252); deleting either gives the same sequence. VCF-style (leftmost placement, unchanged base first): chr19-39508250-AG-A. GRCh37 (hg19) VCF-style: chr19-39998890-AG-A.
Other names: c.*239del (NM_016941.4).
Identifiers: ClinVar variation 503799 (VCV000503799.3), dbSNP rs1322019493, ClinGen allele CA633132901.

ClinVar aggregate classification (germline): Uncertain significance (1 of 4 stars; one submission).

Submission:

GeneDx
Classification: Uncertain significance. Last evaluated: 2017-11-08. Review status: criteria provided, single submitter. Criteria: GeneDx Variant Classification (06012015). Collection method: clinical testing. Allele origin: germline. Affected: yes.
Comment: The c.1759delG variant was identified in an alternative transcript (NM_203486.2) of the DLL3 gene and has not been published as a pathogenic variant, nor has it been reported as a benign variant to our knowledge. The c.1759delG variant is not observed at a significant frequency in large population cohorts (Lek et al., 2016). The c.1759delG variant in the DLL3 gene may result in the replacement of an Alanine codon with a Proline codon at amino acid position 587 and subsequently extend the alternate protein with the addition of 75 aberrant amino acids. However, in-silico splice prediction models suggest that c.1759delG may also destroy the canonical splice acceptor site for alternate transcript exon 9 and lead to abnormal splicing. In the absence of RNA/functional studies, the actual effect of this sequence change in this individual is unknown. In summary, based on the currently available information, it is unclear whether this variant is a pathogenic variant or a rare benign variant.